The following is an entry in ClinVar:

ClinVar aggregate classification (germline): Pathogenic (1 of 4 stars; one submission).

Conditions:
Werner syndrome (WRN). Identifiers: Orphanet 902, MedGen C0043119, MONDO:0010196, OMIM 277700.

Submission:

Labcorp Genetics (formerly Invitae), Labcorp
Classification: Pathogenic for Werner syndrome. Last evaluated: 2023-02-24. Review status: criteria provided, single submitter. Criteria: Invitae Variant Classification Sherloc (09022015). Collection method: clinical testing. Allele origin: unknown.
Comment: This variant has not been reported in the literature in individuals affected with WRN-related conditions. For these reasons, this variant has been classified as Pathogenic. This variant is a gross deletion of the genomic region encompassing exon(s) 6-7 of the WRN gene. This deletion is out-of-frame, and is expected to create a premature termination codon and result in an absent or disrupted protein product. Loss-of-function variants in WRN are known to be pathogenic (PMID: 16673358).

Literature cited by the submitters: PubMed 16673358.

NC_000008.10:g.(?_30924539)_(30925853_?)del

Gene: WRN (WRN RecQ like helicase; plus strand). Cytogenetic location: 8p12.
Variant type: Deletion.
Identifiers: ClinVar variation 3245420 (VCV003245420.1).